The following is an entry in ClinVar:

NM_177438.3(DICER1):c.139T>G (p.Tyr47Asp)

Gene: DICER1 (dicer 1, ribonuclease III; minus strand). Cytogenetic location: 14q32.13.
Variant type: single nucleotide variant.
Coding change: c.139T>G on transcript NM_177438.3 (MANE Select); coding-DNA position 139, T replaced by G.
Protein change: p.Tyr47Asp; replaces tyrosine 47 with aspartic acid.
Molecular consequence: missense variant. On other transcripts: 5 prime UTR variant (8), non-coding transcript variant (6), intron variant (1).
Genome position (GRCh38, 1-based): chr14:95,133,320, A>C on the plus strand (T>G on the coding strand, the complement: DICER1 is on the minus strand). VCF-style: chr14-95133320-A-C. GRCh37 (hg19) VCF-style: chr14-95599657-A-C.
Other names: c.139T>G, p.Tyr47Asp (NM_001195573.1, NM_001271282.3, NM_001291628.2 and 15 more transcripts); c.-136T>G (NM_001395686.1, NM_001395688.1, NM_001395689.1 and 3 more transcripts); c.-320T>G (NM_001395691.1); c.-1430T>G (NM_001395697.1); c.-130-643T>G (NM_001395687.1); short protein forms Y47D.
Identifiers: ClinVar variation 2089171 (VCV002089171.4), dbSNP rs2543387568, ClinGen allele CA390890343.

ClinVar aggregate classification (germline): Uncertain significance (1 of 4 stars; one submission).

Conditions:
DICER1-related tumor predisposition. Also called: DICER1-related pleuropulmonary blastoma cancer predisposition syndrome; DICER1 syndrome. Identifiers: Orphanet 284343, MedGen C3839822, MONDO:0100216.

Submission:

Labcorp Genetics (formerly Invitae), Labcorp
Classification: Uncertain significance for DICER1-related tumor predisposition. Last evaluated: 2022-01-23. Review status: criteria provided, single submitter. Criteria: Invitae Variant Classification Sherloc (09022015). Collection method: clinical testing. Allele origin: germline.
Comment: In summary, the available evidence is currently insufficient to determine the role of this variant in disease. Therefore, it has been classified as a Variant of Uncertain Significance. Algorithms developed to predict the effect of missense changes on protein structure and function (SIFT, PolyPhen-2, Align-GVGD) all suggest that this variant is likely to be disruptive. This variant has not been reported in the literature in individuals affected with DICER1-related conditions. This variant is not present in population databases (gnomAD no frequency). This sequence change replaces tyrosine, which is neutral and polar, with aspartic acid, which is acidic and polar, at codon 47 of the DICER1 protein (p.Tyr47Asp).